The following is an entry in ClinVar:

ClinVar aggregate classification (germline): Uncertain significance (1 of 4 stars; one submission).

Conditions:
Ehlers-Danlos syndrome, kyphoscoliotic type 1 (EDSKSCL1). Also called: PLOD1-Related Kyphoscoliotic Ehlers-Danlos Syndrome; Ehlers-Danlos syndrome, hydroxylysine-deficient; EHLERS-DANLOS SYNDROME, TYPE VIA; EHLERS-DANLOS SYNDROME, OCULAR-SCOLIOTIC TYPE. Identifiers: Orphanet 1900, MedGen C0268342, MONDO:0016002, OMIM 225400. Disease mechanism: loss of function.

Submission:

Labcorp Genetics (formerly Invitae), Labcorp
Classification: Uncertain significance for Ehlers-Danlos syndrome, hydroxylysine-deficient. Last evaluated: 2019-10-02. Review status: criteria provided, single submitter. Criteria: Invitae Variant Classification Sherloc (09022015). Collection method: clinical testing. Allele origin: germline.
Comment: This variant is a gross duplication of the genomic region encompassing exon 1 of the PLOD1 gene. The 5' end of this event is unknown as it extends beyond the assayed region for this gene and therefore may encompass additional genes. The 3' boundary is likely confined to intron 1 of the PLOD1 gene. This variant is not present in population databases and has not been reported in the literature in individuals with a PLOD1-related disease. In summary, the exact genomic location of this variant is unknown and the impact of this duplication on PLOD1 protein function has not been established. Therefore, it has been classified as a Variant of Uncertain Significance.

NC_000001.11:g.(?_11934770)_(11934865_?)dup

Gene: PLOD1 (procollagen-lysine,2-oxoglutarate 5-dioxygenase 1; plus strand). Cytogenetic location: 1p36.22.
Variant type: Duplication.
Identifiers: ClinVar variation 832122 (VCV000832122.1).